The following is an entry in ClinVar:

NM_020812.4(DOCK6):c.2023C>G (p.Pro675Ala)

Gene: DOCK6 (dedicator of cytokinesis 6; minus strand). Cytogenetic location: 19p13.2.
Variant type: single nucleotide variant.
Coding change: c.2023C>G on transcript NM_020812.4 (MANE Select); coding-DNA position 2023, C replaced by G.
Protein change: p.Pro675Ala; replaces proline 675 with alanine.
Molecular consequence: missense variant.
Genome position (GRCh38, 1-based): chr19:11,237,506, G>C on the plus strand (C>G on the coding strand, the complement: DOCK6 is on the minus strand). VCF-style: chr19-11237506-G-C. GRCh37 (hg19) VCF-style: chr19-11348182-G-C.
Other names: c.2023C>G, p.Pro675Ala (NM_001367830.1); short protein forms P675A.
Identifiers: ClinVar variation 2012847 (VCV002012847.4), dbSNP rs2513122162, ClinGen allele CA404101025.
Genomic context (GRCh38, chr19:11,237,506, plus strand): 5'-GGGCACATACATCGGGTGTGAGCACGGAATAGCTGGGCGGCGGCTGGTCCACAGACACTG[G>C]GAGACAGAAGGGGCCGGTCCTCAGGCGCCCGTGCTGCAGCAGTGGGATCCACTGGGGAGA-3'
Protein context (NP_065863.2, residues 665-685): GRLRTGPFCL[Pro675Ala]VSVDQPPPSY

ClinVar aggregate classification (germline): Uncertain significance (1 of 4 stars; one submission).

Submission:

Labcorp Genetics (formerly Invitae), Labcorp
Classification: Uncertain significance. Last evaluated: 2025-09-15. Review status: criteria provided, single submitter. Criteria: Invitae Variant Classification Sherloc (09022015). Collection method: clinical testing. Allele origin: germline.
Comment: This sequence change replaces proline, which is neutral and non-polar, with alanine, which is neutral and non-polar, at codon 675 of the DOCK6 protein (p.Pro675Ala). This variant is not present in population databases (gnomAD no frequency). This variant has not been reported in the literature in individuals affected with DOCK6-related conditions. ClinVar contains an entry for this variant (Variation ID: 2012847). Invitae Evidence Modeling of protein sequence and biophysical properties (such as structural, functional, and spatial information, amino acid conservation, physicochemical variation, residue mobility, and thermodynamic stability) indicates that this missense variant is expected to disrupt DOCK6 protein function with a positive predictive value of 80%. Algorithms developed to predict the effect of sequence changes on RNA splicing suggest that this variant may create or strengthen a splice site. In summary, the available evidence is currently insufficient to determine the role of this variant in disease. Therefore, it has been classified as a Variant of Uncertain Significance.